The following is an entry in ClinVar:

ClinVar aggregate classification (germline): Uncertain significance (1 of 4 stars; one submission).

Conditions:
ALG6-congenital disorder of glycosylation 1C (CDG1C). Also called: Congenital disorder of glycosylation type 1C; CARBOHYDRATE-DEFICIENT GLYCOPROTEIN SYNDROME, TYPE I, WITH DEFICIENT GLYCOSYLATION OF DOLICHOL-LINKED OLIGOSACCHARIDE; CARBOHYDRATE-DEFICIENT GLYCOPROTEIN SYNDROME, TYPE V; CDG Ic; Congenital disorder of glycosylation, type Ic. Identifiers: Orphanet 79320, MedGen C2930997, MONDO:0011291, OMIM 603147.

Submission:

Labcorp Genetics (formerly Invitae), Labcorp
Classification: Uncertain significance for ALG6-congenital disorder of glycosylation 1C. Last evaluated: 2023-07-07. Review status: criteria provided, single submitter. Criteria: Invitae Variant Classification Sherloc (09022015). Collection method: clinical testing. Allele origin: germline.
Comment: In summary, the available evidence is currently insufficient to determine the role of this variant in disease. Therefore, it has been classified as a Variant of Uncertain Significance. Variants that disrupt the consensus splice site are a relatively common cause of aberrant splicing (PMID: 17576681, 9536098). Algorithms developed to predict the effect of sequence changes on RNA splicing suggest that this variant may disrupt the consensus splice site. ClinVar contains an entry for this variant (Variation ID: 1975250). This variant has not been reported in the literature in individuals affected with ALG6-related conditions. This variant is not present in population databases (gnomAD no frequency). This sequence change falls in intron 14 of the ALG6 gene. It does not directly change the encoded amino acid sequence of the ALG6 protein. It affects a nucleotide within the consensus splice site.

Literature cited by the submitters: PubMed 17576681; PubMed 9536098.

NM_013339.4(ALG6):c.1326+2dup

Gene: ALG6 (ALG6 alpha-1,3-glucosyltransferase; plus strand). Cytogenetic location: 1p31.3.
Variant type: Duplication.
Coding change: c.1326+2dup on transcript NM_013339.4 (MANE Select); the canonical splice donor site of the intron after coding-DNA position 1326, one base duplicated (T; older notation c.1326+2dupT).
Molecular consequence: splice donor variant.
Genome position (GRCh38, 1-based): chr1:63,429,128, T duplicated. VCF-style (leftmost placement, unchanged base first): chr1-63429127-G-GT. GRCh37 (hg19) VCF-style: chr1-63894798-G-GT.
Identifiers: ClinVar variation 1975250 (VCV001975250.5), dbSNP rs2523794753, ClinGen allele CA2580063146.